The following is an entry in ClinVar:

ClinVar aggregate classification (germline): Likely benign (1 of 4 stars; one submission).

Conditions:
Catecholaminergic polymorphic ventricular tachycardia (CVPT). Also called: Catecholamine-induced polymorphic ventricular tachycardia. Identifiers: Orphanet 3286, MedGen C5574922, MONDO:0017990.

Submission:

All of Us Research Program, National Institutes of Health
Classification: Likely benign for Catecholaminergic polymorphic ventricular tachycardia. Last evaluated: 2024-07-20. Review status: criteria provided, single submitter. Criteria: ACMG Guidelines, 2015. Collection method: clinical testing. Allele origin: germline. Inheritance: Autosomal dominant inheritance. Observed: 1 variant allele, 1 heterozygote.
Comment: This study involves interpretation of variants in research participants for the purpose of population health screening. Participant phenotype was not available at the time of variant classification. Additional details can be found in publication PMID: 35346344, PMCID: PMC8962531

NM_001035.3(RYR2):c.10936-4G>A

Gene: RYR2 (ryanodine receptor 2; plus strand). Cytogenetic location: 1q43.
Variant type: single nucleotide variant.
Coding change: c.10936-4G>A on transcript NM_001035.3 (MANE Select); 4 bases into the intron before coding-DNA position 10936, G replaced by A.
Molecular consequence: intron variant.
Genome position (GRCh38, 1-based): chr1:237,732,042, G>A. VCF-style: chr1-237732042-G-A. GRCh37 (hg19) VCF-style: chr1-237895342-G-A.
Identifiers: ClinVar variation 3385836 (VCV003385836.1).
Genomic context (GRCh38, chr1:237,732,042, plus strand): 5'-GCTTTTGGATTTGAGTGAACATTTTTTTTTAATGTGACATTTTATAAATTTGACTTTTTT[G>A]CAGAAACCTGGGGCTGAACCTCCAGAAGAAGATGAAGGCACTAAGAGAGTTGATCCTCTA-3'